The following is an entry in ClinVar:

ClinVar aggregate classification (germline): Uncertain significance. Review status: criteria provided, multiple submitters, no conflicts (2 of 4 stars). 3 submissions from 3 submitters: Uncertain significance (3). Last evaluated 2024-10-23.

Conditions:
Inborn genetic diseases. Identifiers: MedGen C0950123, MeSH D030342.
Pitt-Hopkins-like syndrome 2 (PTHSL2). Identifiers: Orphanet 221150, Orphanet 600663, MedGen C3280479, MONDO:0013690, OMIM 614325.

Allele frequency attached by ClinVar (database versions not stated): ExAC 0.00001; gnomAD exomes 0.00001; TOPMed 0.00003; gnomAD 0.00004.
gnomAD v4.1: 10 of 1,610,360 alleles (0.00062%); highest among the groups gnomAD compares: African/African-American, 0.012%; no homozygotes.

Submissions (3):

Labcorp Genetics (formerly Invitae), Labcorp
Classification: Uncertain significance for Pitt-Hopkins-like syndrome 2. Last evaluated: 2024-10-23. Review status: criteria provided, single submitter. Criteria: Invitae Variant Classification Sherloc (09022015). Collection method: clinical testing. Allele origin: germline.
Comment: This sequence change replaces methionine, which is neutral and non-polar, with leucine, which is neutral and non-polar, at codon 302 of the NRXN1 protein (p.Met302Leu). This variant is present in population databases (rs776779952, gnomAD 0.02%). This variant has not been reported in the literature in individuals affected with NRXN1-related conditions. ClinVar contains an entry for this variant (Variation ID: 373610). An algorithm developed to predict the effect of missense changes on protein structure and function (PolyPhen-2) suggests that this variant is likely to be tolerated. In summary, the available evidence is currently insufficient to determine the role of this variant in disease. Therefore, it has been classified as a Variant of Uncertain Significance.

Ambry Genetics
Classification: Uncertain significance for Inborn genetic diseases. Last evaluated: 2023-05-04. Review status: criteria provided, single submitter. Criteria: Ambry Variant Classification Scheme 2023. Collection method: clinical testing. Allele origin: germline.

GeneDx
Classification: Uncertain significance. Last evaluated: 2016-11-29. Review status: criteria provided, single submitter. Criteria: GeneDx Variant Classification (06012015). Collection method: clinical testing. Allele origin: germline. Affected: yes.
Comment: A variant of uncertain significance has been identified in the NRXN1 gene. The M302L variant has not been published as a pathogenic variant, nor has it been reported as a benign variant to our knowledge. The M302L variant is not observed at a significant frequency in large population cohorts (Lek et al., 2016; 1000 Genomes Consortium et al., 2015; Exome Variant Server). This substitution occurs at a position that is conserved across species. However, the M302L variant is a conservative amino acid substitution, which is not likely to impact secondary protein structure as these residues share similar properties. In silico analysis is inconsistent in its predictions as to whether or not the variant is damaging to the protein structure/function. Therefore, based on the currently available information, it is unclear whether this variant is a pathogenic variant or a rare benign variant.

NM_001330078.2(NRXN1):c.805A>T (p.Met269Leu)

Gene: NRXN1 (neurexin 1; minus strand). Cytogenetic location: 2p16.3.
Variant type: single nucleotide variant.
Coding change: c.805A>T on transcript NM_001330078.2 (MANE Select); coding-DNA position 805, A replaced by T.
Protein change: p.Met269Leu; replaces methionine 269 with leucine.
Molecular consequence: missense variant. On other transcripts: intron variant (4).
Genome position (GRCh38, 1-based): chr2:50,922,673, T>A on the plus strand (A>T on the coding strand, the complement: NRXN1 is on the minus strand). VCF-style: chr2-50922673-T-A. GRCh37 (hg19) VCF-style: chr2-51149811-T-A.
Other names: c.805A>T, p.Met269Leu (NM_001330086.2, NM_001330095.2, NM_004801.6 and 6 more transcripts); c.772+104829A>T (NM_001330096.2, NM_001330087.2, NM_001330083.2 and 1 more transcripts); c.802A>T, p.Met268Leu (NM_001330093.2, NM_001330079.2); c.787A>T, p.Met263Leu (NM_001330088.2, NM_001330089.2); c.904A>T, p.Met302Leu (NM_001135659.3); short protein forms M302L, M268L, M263L, M269L.
Identifiers: ClinVar variation 373610 (VCV000373610.11), dbSNP rs776779952, ClinGen allele CA1655300.
Genomic context (GRCh38, chr2:50,922,673, plus strand): 5'-CAAGAAAACACTGAAAGCAGAGTGGAAAAGGAACAGAGCCCATACCTTGGTCGCCCATCA[T>A]CAGGTGCGCCAGACCTTGAAGGGAAACAAGAGCACAGTCAGCAATAAACAAGGGAGCATG-3'
Protein context (NP_001317007.1, residues 259-279): DNNVEGLAHL[Met269Leu]MGDQGKSKGK